The following is an entry in ClinVar:

NM_001374259.2(IL12RB2):c.1420C>A (p.Leu474Ile)

Gene: IL12RB2 (interleukin 12 receptor subunit beta 2; plus strand). Cytogenetic location: 1p31.3.
Variant type: single nucleotide variant.
Coding change: c.1420C>A on transcript NM_001374259.2 (MANE Select); coding-DNA position 1420, C replaced by A.
Protein change: p.Leu474Ile; replaces leucine 474 with isoleucine.
Molecular consequence: missense variant. On other transcripts: non-coding transcript variant (2).
Genome position (GRCh38, 1-based): chr1:67,367,986, C>A. VCF-style: chr1-67367986-C-A. GRCh37 (hg19) VCF-style: chr1-67833669-C-A.
Other names: c.1420C>A, p.Leu474Ile (NM_001258214.1, NM_001258215.1, NM_001258216.1 and 2 more transcripts); short protein forms L474I.
Identifiers: ClinVar variation 2797984 (VCV002797984.3), dbSNP rs2523218205, ClinGen allele CA340738272.

ClinVar aggregate classification (germline): Uncertain significance (1 of 4 stars; one submission).

Allele frequency attached by ClinVar (database versions not stated): gnomAD exomes below 0.00001.
gnomAD v4.1: 2 of 1,610,560 alleles (0.00012%); highest among the groups gnomAD compares: Non-Finnish European, 0.00017%; no homozygotes.

Submission:

Labcorp Genetics (formerly Invitae), Labcorp
Classification: Uncertain significance. Last evaluated: 2023-05-22. Review status: criteria provided, single submitter. Criteria: Invitae Variant Classification Sherloc (09022015). Collection method: clinical testing. Allele origin: germline.
Comment: This variant has not been reported in the literature in individuals affected with IL12RB2-related conditions. In summary, the available evidence is currently insufficient to determine the role of this variant in disease. Therefore, it has been classified as a Variant of Uncertain Significance. An algorithm developed to predict the effect of missense changes on protein structure and function (PolyPhen-2) suggests that this variant is likely to be disruptive. This variant is not present in population databases (gnomAD no frequency). This sequence change replaces leucine, which is neutral and non-polar, with isoleucine, which is neutral and non-polar, at codon 474 of the IL12RB2 protein (p.Leu474Ile).